The following is an entry in ClinVar:

ClinVar aggregate classification (germline): Uncertain significance (1 of 4 stars; one submission).

gnomAD v4.1: 1 of 1,612,962 alleles (0.000062%); no homozygotes.

Submission:

CeGaT Center for Human Genetics Tuebingen
Classification: Uncertain significance. Last evaluated: 2023-03-01. Review status: criteria provided, single submitter. Criteria: CeGaT Center For Human Genetics Tuebingen Variant Classification Criteria Version 2. Collection method: clinical testing. Allele origin: germline. Affected: yes. Observed: 1 variant allele.
Comment: COL5A2: PM2

NM_000393.5(COL5A2):c.982C>T (p.Pro328Ser)

Gene: COL5A2 (collagen type V alpha 2 chain; minus strand). Cytogenetic location: 2q32.2.
Variant type: single nucleotide variant.
Coding change: c.982C>T on transcript NM_000393.5 (MANE Select); coding-DNA position 982, C replaced by T.
Protein change: p.Pro328Ser; replaces proline 328 with serine.
Molecular consequence: missense variant.
Genome position (GRCh38, 1-based): chr2:189,079,086, G>A on the plus strand (C>T on the coding strand, the complement: COL5A2 is on the minus strand). VCF-style: chr2-189079086-G-A. GRCh37 (hg19) VCF-style: chr2-189943812-G-A.
Other names: short protein forms P328S.
Identifiers: ClinVar variation 2651758 (VCV002651758.24), dbSNP rs1274013767, ClinGen allele CA349856133.